The following is an entry in ClinVar:

NM_001194998.2(CEP152):c.540+6G>A

Gene: CEP152 (centrosomal protein 152; minus strand). Cytogenetic location: 15q21.1.
Variant type: single nucleotide variant.
Coding change: c.540+6G>A on transcript NM_001194998.2 (MANE Select); 6 bases into the intron after coding-DNA position 540, G replaced by A.
Molecular consequence: intron variant.
Genome position (GRCh38, 1-based): chr15:48,797,295, C>T on the plus strand (G>A on the coding strand, the complement: CEP152 is on the minus strand). VCF-style: chr15-48797295-C-T. GRCh37 (hg19) VCF-style: chr15-49089492-C-T.
Other names: c.540+6G>A (NM_014985.4).
Identifiers: ClinVar variation 434733 (VCV000434733.8), dbSNP rs770422442, ClinGen allele CA7549110.

ClinVar aggregate classification (germline): Uncertain significance. Review status: criteria provided, multiple submitters, no conflicts (2 of 4 stars). 2 submissions from 2 submitters: Uncertain significance (2). Last evaluated 2021-12-23.

Conditions:
Inborn genetic diseases. Identifiers: MedGen C0950123, MeSH D030342.

Allele frequency attached by ClinVar (database versions not stated): gnomAD exomes below 0.00001; ExAC 0.00001; gnomAD 0.00001 and 0.00002; TOPMed 0.00002.

Submissions (2):

Ambry Genetics
Classification: Uncertain significance for Inborn genetic diseases. Last evaluated: 2021-12-23. Review status: criteria provided, single submitter. Criteria: Ambry Variant Classification Scheme 2023. Collection method: clinical testing. Allele origin: germline.
Comment: The c.540+6G>A intronic alteration consists of a G to A substitution nucleotides after coding exon 4 in the CEP152 gene. Based on insufficient or conflicting evidence, the clinical significance of this alteration remains unclear.

Genetic Services Laboratory, University of Chicago
Classification: Uncertain significance. Last evaluated: 2016-10-31. Review status: criteria provided, single submitter. Criteria: ACMG Guidelines, 2015. Collection method: clinical testing. Allele origin: germline. Affected: no.